The following is an entry in ClinVar:

ClinVar aggregate classification (germline): Pathogenic (1 of 4 stars; one submission).

Conditions:
Tuberous sclerosis 1 (TSC1). Identifiers: Orphanet 805, MedGen C1854465, MONDO:0008612, OMIM 191100.

Submission:

Labcorp Genetics (formerly Invitae), Labcorp
Classification: Pathogenic for Tuberous sclerosis 1. Last evaluated: 2020-08-06. Review status: criteria provided, single submitter. Criteria: Invitae Variant Classification Sherloc (09022015). Collection method: clinical testing. Allele origin: germline.
Comment: For these reasons, this variant has been classified as Pathogenic. Loss-of-function variants in TSC1 are known to be pathogenic (PMID: 10227394, 17304050). This variant has not been reported in the literature in individuals with TSC1-related conditions. This variant is not present in population databases (ExAC no frequency). This sequence change creates a premature translational stop signal (p.Leu61Profs*9) in the TSC1 gene. It is expected to result in an absent or disrupted protein product.

Literature cited by the submitters: PubMed 10227394; PubMed 17304050.

NM_000368.5(TSC1):c.181dup (p.Leu61fs)

Gene: TSC1 (TSC complex subunit 1; minus strand). Cytogenetic location: 9q34.13.
Variant type: Duplication.
Coding change: c.181dup on transcript NM_000368.5 (MANE Select); coding-DNA position 181, one base duplicated (C; older notation c.181dupC).
Protein change: p.Leu61fs; shifts the reading frame from leucine 61.
Molecular consequence: frameshift variant. On other transcripts: intron variant (1).
Genome position (GRCh38, 1-based): chr9:132,927,230, G duplicated on the plus strand (C on the coding strand, the reverse complement: TSC1 is on the minus strand); the first of 2 consecutive G bases (chr9:132,927,230-132,927,231); duplicating either gives the same sequence. VCF-style (leftmost placement, unchanged base first): chr9-132927229-A-AG. GRCh37 (hg19) VCF-style: chr9-135802616-A-AG.
Other names: c.181dup, p.Leu61fs (NM_001162426.2, NM_001162427.2); c.-153-1492dup (NM_001362177.2); short protein forms L61fs.
Identifiers: ClinVar variation 1073564 (VCV001073564.7), dbSNP rs2132266748, ClinGen allele CA2499219744.
Genomic context (GRCh38, chr9:132,927,229, plus strand): 5'-ATATGAAATGCCTATGATATTTCAGCCATTACCTTGTCATGTGGCTCTTGCAAGGTGGTC[A>AG]GGATGTGCAATGCCGGCTGAGAGCTGGTTTCCAGGTAATAATCCACCAAGGTGTTTACAA-3'